The following is an entry in ClinVar:

ClinVar aggregate classification (germline): Uncertain significance. Review status: criteria provided, multiple submitters, no conflicts (2 of 4 stars). 3 submissions from 3 submitters: Uncertain significance (3). Last evaluated 2025-08-11.

Conditions:
Cardiovascular phenotype. Identifiers: MedGen CN230736.
Hereditary cancer-predisposing syndrome. Also called: Tumor predisposition; Neoplastic Syndromes, Hereditary; Hereditary neoplastic syndrome; Hereditary Cancer Syndrome. Identifiers: Orphanet 140162, MedGen C0027672, MeSH D009386, MONDO:0015356.

Allele frequency attached by ClinVar (database versions not stated): gnomAD exomes below 0.00001; gnomAD 0.00001; TOPMed 0.00001.
gnomAD v4.1: 3 of 1,613,506 alleles (0.00019%); highest among the groups gnomAD compares: African/African-American, 0.004%; no homozygotes.

Submissions (3):

Labcorp Genetics (formerly Invitae), Labcorp
Classification: Uncertain significance. Last evaluated: 2025-08-11. Review status: criteria provided, single submitter. Criteria: Invitae Variant Classification Sherloc (09022015). Collection method: clinical testing. Allele origin: germline.
Comment: This sequence change replaces asparagine, which is neutral and polar, with serine, which is neutral and polar, at codon 87 of the LZTR1 protein (p.Asn87Ser). This variant is present in population databases (no rsID available, gnomAD 0.007%). This variant has not been reported in the literature in individuals affected with LZTR1-related conditions. ClinVar contains an entry for this variant (Variation ID: 1512809). Invitae Evidence Modeling of protein sequence and biophysical properties (such as structural, functional, and spatial information, amino acid conservation, physicochemical variation, residue mobility, and thermodynamic stability) indicates that this missense variant is not expected to disrupt LZTR1 protein function with a negative predictive value of 80%. Algorithms developed to predict the effect of sequence changes on RNA splicing suggest that this variant may disrupt the consensus splice site. In summary, the available evidence is currently insufficient to determine the role of this variant in disease. Therefore, it has been classified as a Variant of Uncertain Significance.

Ambry Genetics
Classification: Uncertain significance for Cardiovascular phenotype; Hereditary cancer-predisposing syndrome. Last evaluated: 2025-03-01. Review status: criteria provided, single submitter. Criteria: Ambry Variant Classification Scheme 2023. Collection method: clinical testing. Allele origin: germline.
Comment: The p.N87S variant (also known as c.260A>G), located in coding exon 2 of the LZTR1 gene, results from an A to G substitution at nucleotide position 260. The asparagine at codon 87 is replaced by serine, an amino acid with highly similar properties. This amino acid position is conserved. In addition, this alteration is predicted to be tolerated by in silico analysis. Since supporting evidence is limited at this time, the clinical significance of this alteration remains unclear.

GeneDx
Classification: Uncertain significance. Last evaluated: 2023-08-09. Review status: criteria provided, single submitter. Criteria: GeneDx Variant Classification Process June 2021. Collection method: clinical testing. Allele origin: germline. Affected: yes.
Comment: Not observed at significant frequency in large population cohorts (gnomAD); In silico analysis supports that this missense variant has a deleterious effect on protein structure/function; Has not been previously published as pathogenic or benign to our knowledge

NM_006767.4(LZTR1):c.260A>G (p.Asn87Ser)

Gene: LZTR1 (leucine zipper like post translational regulator 1; plus strand). Cytogenetic location: 22q11.21.
Variant type: single nucleotide variant.
Coding change: c.260A>G on transcript NM_006767.4 (MANE Select); coding-DNA position 260, A replaced by G.
Protein change: p.Asn87Ser; replaces asparagine 87 with serine.
Molecular consequence: missense variant.
Genome position (GRCh38, 1-based): chr22:20,983,086, A>G. VCF-style: chr22-20983086-A-G. GRCh37 (hg19) VCF-style: chr22-21337375-A-G.
Other names: short protein forms N87S.
Identifiers: ClinVar variation 1512809 (VCV001512809.10), dbSNP rs971970608, ClinGen allele CA322316703.